The following is an entry in ClinVar:

ClinVar aggregate classification (germline): Conflicting classifications of pathogenicity. Review status: criteria provided, conflicting classifications (1 of 4 stars). 6 submissions from 6 submitters: Uncertain significance (4); Likely benign (2). Last evaluated 2026-06-16.

Conditions:
Multiple endocrine neoplasia, type 2 (MEN2). Identifiers: Orphanet 653, MedGen C4048306, MONDO:0019003. Disease mechanism: gain of function.
Hirschsprung disease, susceptibility to, 1 (HSCR1). Also called: RET-Related Hirschsprung Disease. Identifiers: Orphanet 388, MedGen C3888239, MONDO:0007723, OMIM 142623.
Hereditary cancer-predisposing syndrome. Also called: Hereditary neoplastic syndrome; Hereditary Cancer Syndrome; Neoplastic Syndromes, Hereditary; Tumor predisposition. Identifiers: Orphanet 140162, MedGen C0027672, MeSH D009386, MONDO:0015356.

Allele frequency attached by ClinVar (database versions not stated): ExAC 0.00002; gnomAD exomes 0.00002 and 0.00004; gnomAD 0.00004; TOPMed 0.00006.
gnomAD v4.1: 67 of 1,613,478 alleles (0.0042%); highest among the groups gnomAD compares: East Asian, 0.0067%; no homozygotes.

Submissions (6):

GeneDx
Classification: Uncertain significance. Last evaluated: 2026-06-16. Review status: criteria provided, single submitter. Criteria: GeneDx Variant Classification Process June 2021. Collection method: clinical testing. Allele origin: germline.
Comment: Not observed at significant frequency in large population cohorts (gnomAD); In silico analysis suggests that this missense variant does not alter protein structure/function; Has not been previously published as pathogenic or benign to our knowledge; This variant is associated with the following publications: (PMID: 14633923)

Labcorp Genetics (formerly Invitae), Labcorp
Classification: Uncertain significance for Multiple endocrine neoplasia, type 2. Last evaluated: 2025-12-22. Review status: criteria provided, single submitter. Criteria: Invitae Variant Classification Sherloc (09022015). Collection method: clinical testing. Allele origin: germline.
Comment: This sequence change replaces serine, which is neutral and polar, with leucine, which is neutral and non-polar, at codon 365 of the RET protein (p.Ser365Leu). This variant is present in population databases (rs763670106, gnomAD 0.004%). This variant has not been reported in the literature in individuals affected with RET-related conditions. ClinVar contains an entry for this variant (Variation ID: 567350). An algorithm developed to predict the effect of missense changes on protein structure and function outputs the following: PolyPhen-2: "Benign". The leucine amino acid residue is found in multiple mammalian species, which suggests that this missense change does not adversely affect protein function. In summary, the available evidence is currently insufficient to determine the role of this variant in disease. Therefore, it has been classified as a Variant of Uncertain Significance.

Color Diagnostics, LLC DBA Color Health
Classification: Likely benign for Multiple endocrine neoplasia, type 2. Last evaluated: 2025-05-21. Review status: criteria provided, single submitter. Criteria: ACMG Guidelines, 2015. Collection method: clinical testing. Allele origin: germline.

All of Us Research Program, National Institutes of Health
Classification: Uncertain significance for Multiple endocrine neoplasia, type 2. Last evaluated: 2023-12-01. Review status: criteria provided, single submitter. Criteria: ACMG Guidelines, 2015. Collection method: clinical testing. Allele origin: germline. Inheritance: Autosomal dominant inheritance. Observed: 8 variant alleles, 8 heterozygotes.
Comment: This missense variant replaces serine with leucine at codon 365 of the RET protein. Computational prediction suggests that this variant may not impact protein structure and function (internally defined REVEL score threshold <= 0.5, PMID: 27666373). To our knowledge, functional studies have not been reported for this variant. This variant has not been reported as a germline variant in individuals affected with RET-related cancer in the literature. This variant has been identified in 7/281958 chromosomes in the general population by the Genome Aggregation Database (gnomAD). The available evidence is insufficient to determine the role of this variant in disease conclusively. Therefore, this variant is classified as a Variant of Uncertain Significance.

This study involves interpretation of variants in research participants for the purpose of population health screening. Participant phenotype was not available at the time of variant classification. Additional details can be found in publication PMID: 35346344, PMCID: PMC8962531

Baylor Genetics
Classification: Uncertain significance for Hirschsprung disease, susceptibility to, 1. Last evaluated: 2023-10-10. Review status: criteria provided, single submitter. Criteria: ACMG Guidelines, 2015. Collection method: clinical testing. Allele origin: unknown.

Ambry Genetics
Classification: Likely benign for Hereditary cancer-predisposing syndrome. Last evaluated: 2021-04-06. Review status: criteria provided, single submitter. Criteria: Ambry Variant Classification Scheme 2023. Collection method: clinical testing. Allele origin: germline.

NM_020975.6(RET):c.1094C>T (p.Ser365Leu)

Gene: RET (ret proto-oncogene; plus strand). Cytogenetic location: 10q11.21.
Variant type: single nucleotide variant.
Coding change: c.1094C>T on transcript NM_020975.6 (MANE Select); coding-DNA position 1094, C replaced by T.
Protein change: p.Ser365Leu; replaces serine 365 with leucine.
Molecular consequence: missense variant.
Genome position (GRCh38, 1-based): chr10:43,109,061, C>T. VCF-style: chr10-43109061-C-T. GRCh37 (hg19) VCF-style: chr10-43604509-C-T.
Other names: c.1094C>T, p.Ser365Leu (NM_000323.2, NM_001406743.1, NM_001406744.1 and 6 more transcripts); c.332C>T, p.Ser111Leu (NM_001355216.2); c.965C>T, p.Ser322Leu (NM_001406761.1, NM_001406762.1, NM_001406764.1 and 1 more transcripts); c.806C>T, p.Ser269Leu (NM_001406766.1, NM_001406767.1, NM_001406770.1); c.656C>T, p.Ser219Leu (NM_001406771.1, NM_001406773.1); c.368C>T, p.Ser123Leu (NM_001406775.1, NM_001406776.1, NM_001406777.1 and 1 more transcripts); c.104C>T, p.Ser35Leu (NM_001406784.1); short protein forms S365L, S111L, S35L, S219L, S123L, S322L, S269L.
Identifiers: ClinVar variation 567350 (VCV000567350.19), dbSNP rs763670106, ClinGen allele CA031493.